The following is an entry in ClinVar:

NM_002354.3(EPCAM):c.140A>C (p.Gln47Pro)

Gene: EPCAM (epithelial cell adhesion molecule; plus strand). Cytogenetic location: 2p21.
Variant type: single nucleotide variant.
Coding change: c.140A>C on transcript NM_002354.3 (MANE Select); coding-DNA position 140, A replaced by C.
Protein change: p.Gln47Pro; replaces glutamine 47 with proline.
Molecular consequence: missense variant.
Genome position (GRCh38, 1-based): chr2:47,373,526, A>C. VCF-style: chr2-47373526-A-C. GRCh37 (hg19) VCF-style: chr2-47600665-A-C.
Other names: short protein forms Q47P.
Identifiers: ClinVar variation 4827122 (VCV004827122.1).

ClinVar aggregate classification (germline): Uncertain significance (1 of 4 stars; one submission).

Conditions:
Hereditary cancer-predisposing syndrome. Also called: Neoplastic Syndromes, Hereditary; Tumor predisposition; Hereditary Cancer Syndrome; Hereditary neoplastic syndrome. Identifiers: Orphanet 140162, MedGen C0027672, MeSH D009386, MONDO:0015356.

Submission:

Ambry Genetics
Classification: Uncertain significance for Hereditary cancer-predisposing syndrome. Last evaluated: 2026-03-06. Review status: criteria provided, single submitter. Criteria: Ambry Variant Classification Scheme 2023. Collection method: clinical testing. Allele origin: germline.
Comment: The p.Q47P variant (also known as c.140A>C), located in coding exon 2 of the EPCAM gene, results from an A to C substitution at nucleotide position 140. The glutamine at codon 47 is replaced by proline, an amino acid with similar properties. This amino acid position is conserved. In addition, this alteration is predicted to be tolerated by in silico analysis. Based on the available evidence, the clinical significance of this variant remains unclear.